The following is an entry in ClinVar:

ClinVar aggregate classification (germline): Likely benign. Review status: criteria provided, single submitter (1 of 4 stars). 2 submissions from 2 submitters: Likely benign (1). 1 of the submissions does not count toward it. Last evaluated 2024-09-23.

Conditions:
RAI1-related disorder. Also called: RAI1-related condition.

Allele frequency attached by ClinVar (database versions not stated): gnomAD 0.00001; ExAC 0.00002; gnomAD exomes 0.00002; TOPMed 0.00002.
gnomAD v4.1: 28 of 1,612,554 alleles (0.0017%); highest among the groups gnomAD compares: Middle Eastern, 0.066%; 1 homozygote.

Submissions (2):

Labcorp Genetics (formerly Invitae), Labcorp
Classification: Likely benign. Last evaluated: 2024-09-23. Review status: criteria provided, single submitter. Criteria: Invitae Variant Classification Sherloc (09022015). Collection method: clinical testing. Allele origin: germline.

PreventionGenetics, part of Exact Sciences
Classification: Likely benign for RAI1-related condition. Last evaluated: 2021-04-26. Review status: no assertion criteria provided. Collection method: clinical testing. Allele origin: germline. Not counted in ClinVar's aggregate classification.
Comment: This variant is classified as likely benign based on ACMG/AMP sequence variant interpretation guidelines (Richards et al. 2015 PMID: 25741868, with internal and published modifications).

NM_030665.4(RAI1):c.5244C>T (p.Ala1748=)

Gene: RAI1 (retinoic acid induced 1; plus strand). Cytogenetic location: 17p11.2.
Variant type: single nucleotide variant.
Coding change: c.5244C>T on transcript NM_030665.4 (MANE Select); coding-DNA position 5244, C replaced by T.
Protein change: p.Ala1748=; no amino-acid change (alanine 1748 retained).
Molecular consequence: synonymous variant.
Genome position (GRCh38, 1-based): chr17:17,798,192, C>T. VCF-style: chr17-17798192-C-T. GRCh37 (hg19) VCF-style: chr17-17701506-C-T.
Other names: c.5244C>T (NM_030665.3).
Identifiers: ClinVar variation 2182534 (VCV002182534.6), dbSNP rs759411558, ClinGen allele CA8419121.
Genomic context (GRCh38, chr17:17,798,192, plus strand): 5'-CTGTGAGGAGGCCTCGCTGCCGCTTGAGAGAACACTCAAAGGTCCCGAGTGTGCAGCTGC[C>T]GCCACTGCCGGGAAGCCCCCCAGGCCTGACGGCCCAGCTGACCCGGCCAAGCAGGGCCCA-3'
Protein context (NP_109590.3, residues 1738-1758): RTLKGPECAA[Ala1748=]ATAGKPPRPD